The following is an entry in ClinVar:

ClinVar aggregate classification (germline): Pathogenic/Likely pathogenic. Review status: criteria provided, multiple submitters, no conflicts (2 of 4 stars). 6 submissions from 6 submitters: Pathogenic (5); Likely pathogenic (1). Last evaluated 2026-05-11.

Conditions:
DNAH5-related disorders.
DNAH5-related disorder. Also called: DNAH5-related condition.
Primary ciliary dyskinesia. Also called: Ciliary dyskinesia. Identifiers: Orphanet 244, MedGen C0008780, MONDO:0016575, HP:0012265.
Primary ciliary dyskinesia 3. Identifiers: Orphanet 244, MedGen C1837618, MONDO:0012085, OMIM 608644.

Submissions (6):

PreventionGenetics, part of Exact Sciences
Classification: Pathogenic for DNAH5-related condition. Last evaluated: 2026-05-11. Review status: criteria provided, single submitter. Criteria: ACMG Guidelines, 2015. Collection method: clinical testing. Allele origin: germline.
Comment: The DNAH5 c.9449delG variant is predicted to result in a frameshift and premature protein termination (p.Gly3150Alafs*24). This variant has been reported in individuals with primary ciliary dyskinesia, both with and without a second DNAH5 variant (Kim et al. 2014. PubMed ID: 24498942; Supplemental Table 1, Leigh et al. 2026. PubMed ID: 41611251). At PreventionGenetics, it has been reported with a second DNAH5 variant in multiple individuals receiving testing for primary ciliary dyskinesia (Internal Data). This variant has not been reported in a large population database (gnomAD), indicating it is rare. Frameshift variants in DNAH5 are expected to be pathogenic. This variant is interpreted as pathogenic.

Blueprint Genetics
Classification: Pathogenic for DNAH5-related disorders. Last evaluated: 2024-08-28. Review status: criteria provided, single submitter. Criteria: ACMG Guidelines, 2015. Collection method: clinical testing. Allele origin: germline. Affected: yes. Observed: 5 variant alleles.

Myriad Genetics, Inc.
Classification: Pathogenic for Primary ciliary dyskinesia 3. Last evaluated: 2024-05-14. Review status: criteria provided, single submitter. Criteria: Myriad Autosomal Dominant, Autosomal Recessive and X-Linked Classification Criteria (2023). Collection method: clinical testing. Allele origin: unknown.
Comment: NM_001369.2(DNAH5):c.9449delG(G3150Afs*24) is expected to be pathogenic in the context of primary ciliary dyskinesia, DNAH5-related. This variant is predicted to lead to an abnormal or absent protein product due to the creation of a premature termination codon in DNAH5, a gene where loss-of-function variants are known to be pathogenic. Please note: this variant was assessed in the context of healthy population screening.

Labcorp Genetics (formerly Invitae), Labcorp
Classification: Pathogenic for Primary ciliary dyskinesia. Last evaluated: 2023-05-02. Review status: criteria provided, single submitter. Criteria: Invitae Variant Classification Sherloc (09022015). Collection method: clinical testing. Allele origin: germline.
Comment: This premature translational stop signal has been observed in individual(s) with primary ciliary dyskinesia (Invitae). For these reasons, this variant has been classified as Pathogenic. ClinVar contains an entry for this variant (Variation ID: 179339). This variant is not present in population databases (gnomAD no frequency). This sequence change creates a premature translational stop signal (p.Gly3150Alafs*24) in the DNAH5 gene. It is expected to result in an absent or disrupted protein product. Loss-of-function variants in DNAH5 are known to be pathogenic (PMID: 11788826, 16627867).

GeneDx
Classification: Pathogenic. Last evaluated: 2015-09-23. Review status: criteria provided, single submitter. Criteria: GeneDx Variant Classification (06012015). Collection method: clinical testing. Allele origin: germline. Affected: yes.
Comment: The c.9449delG deletion in the DNAH5 gene has been reported previously in an individual with confirmed PCD who harbored this variant in the heterozygous state, without a second identifiable variant in this gene; sequence analysis of 11 other PCD related genes in this individual was negative (Kim et al., 2014). The c.9449delG variant causes a frameshift starting with codon Glycine 3150, changes this amino acid to a Alanine residue, and creates a premature Stop codon at position 24 of the new reading frame, denoted p.Gly3150AlafsX24. This deletion is predicted to cause loss of normal protein function either through protein truncation or nonsense-mediated mRNA decay. Frameshift and other protein truncating variantsdownstream of this deletion have been reported in the Human Gene Mutation Database in association with PCD (Stenson et al., 2014), supporting the pathogenicity of more upstream truncating variants. The c.9449delG deletion was not observed in approximately 6500 individuals of European and African American ancestry in the NHLBI Exome Sequencing Project, indicating it is not a common benign variant in these populations. We interpret c.9449delG as a pathogenic variant.

Laboratory for Molecular Medicine, Mass General Brigham Personalized Medicine
Classification: Likely pathogenic for Primary ciliary dyskinesia. Last evaluated: 2013-11-08. Review status: criteria provided, single submitter. Criteria: LMM Criteria. Collection method: clinical testing. Allele origin: germline. Inheritance: Autosomal recessive inheritance. Observed: 2 variant alleles.
Comment: The Gly3150fs variant in DNAH5 has not been previously identified in individuals with pulmonary disease nor has it been identified in large population studies. This frameshift variant is predicted to alter the protein?s amino acid sequence beginning at position 3150 and lead to a premature termination codon 24 amino ac ids downstream. This alteration is then predicted to lead to a truncated or abse nt protein. Frameshift and other truncating variants in DNAH5 are associated wit h autosomal recessive primary ciliary dyskinesia (PCD) with outer dynein arm (OD A) defects (Olbrich 2002, Hornef 2006, Ferkol 2013). In summary, this variant is likely pathogenic, though additional studies are required to fully establish it s clinical significance.

Literature cited by the submitters: PubMed 11788826 (cited by Labcorp Genetics (formerly Invitae), Labcorp and Laboratory for Molecular Medicine, Mass General Brigham Personalized Medicine); PubMed 16627867 (cited by Labcorp Genetics (formerly Invitae), Labcorp and Laboratory for Molecular Medicine, Mass General Brigham Personalized Medicine); PubMed 23477994 (cited by Laboratory for Molecular Medicine, Mass General Brigham Personalized Medicine).

NM_001369.3(DNAH5):c.9449del (p.Gly3150fs)

Gene: DNAH5 (dynein axonemal heavy chain 5; minus strand). Cytogenetic location: 5p15.2.
Variant type: Deletion.
Coding change: c.9449del on transcript NM_001369.3 (MANE Select); coding-DNA position 9449, one base deleted (G; older notation c.9449delG).
Protein change: p.Gly3150fs; shifts the reading frame from glycine 3150.
Molecular consequence: frameshift variant.
Genome position (GRCh38, 1-based): chr5:13,770,905, C deleted on the plus strand (G on the coding strand, the reverse complement: DNAH5 is on the minus strand); the first of 3 consecutive C bases (chr5:13,770,905-13,770,907); deleting any one gives the same sequence. VCF-style (leftmost placement, unchanged base first): chr5-13770904-GC-G. GRCh37 (hg19) VCF-style: chr5-13771013-GC-G.
Other names: c.9449delG (NM_001369.2); short protein forms G3150fs.
Identifiers: ClinVar variation 179339 (VCV000179339.15), dbSNP rs727504802, ClinGen allele CA273615.
Genomic context (GRCh38, chr5:13,770,904, plus strand): 5'-AGAACGTCGGAATCTCTGAAAATAATCAACACACTTCTCAGCCACCCCATCCTGGAAGGA[GC>G]CCATGCATTGGACCACCTCCTTCTTGATTTCCAAACTGCAGTCAATATCATAGGAAGTGA-3'